The following is an entry in ClinVar:

NM_004360.5(CDH1):c.1781T>C (p.Ile594Thr)

Gene: CDH1 (cadherin 1; plus strand). Cytogenetic location: 16q22.1.
Variant type: single nucleotide variant.
Coding change: c.1781T>C on transcript NM_004360.5 (MANE Select); coding-DNA position 1781, T replaced by C.
Protein change: p.Ile594Thr; replaces isoleucine 594 with threonine.
Molecular consequence: missense variant. On other transcripts: 5 prime UTR variant (1).
Genome position (GRCh38, 1-based): chr16:68,822,070, T>C. VCF-style: chr16-68822070-T-C. GRCh37 (hg19) VCF-style: chr16-68855973-T-C.
Other names: c.1598T>C, p.Ile533Thr (NM_001317184.2); c.233T>C, p.Ile78Thr (NM_001317185.2); c.-185T>C (NM_001317186.2); c.1781T>C (NM_004360.3); short protein forms I533T, I594T, I78T.
Identifiers: ClinVar variation 1022338 (VCV001022338.11), dbSNP rs1961160711, ClinGen allele CA396466620.

ClinVar aggregate classification (germline): Conflicting classifications of pathogenicity. Review status: criteria provided, conflicting classifications (1 of 4 stars). 2 submissions from 2 submitters: Uncertain significance (1); Likely benign (1). Last evaluated 2026-05-15.

Conditions:
Hereditary cancer-predisposing syndrome. Also called: Hereditary neoplastic syndrome; Neoplastic Syndromes, Hereditary; Tumor predisposition; Hereditary Cancer Syndrome. Identifiers: Orphanet 140162, MedGen C0027672, MeSH D009386, MONDO:0015356.
Hereditary diffuse gastric adenocarcinoma (HDGC). Also called: DIFFUSE GASTRIC AND LOBULAR BREAST CANCER SYNDROME. Identifiers: Orphanet 26106, MedGen C1708349, MONDO:0007648, OMIM 137215.

Submissions (2):

Ambry Genetics
Classification: Likely benign for Hereditary cancer-predisposing syndrome. Last evaluated: 2026-05-15. Review status: criteria provided, single submitter. Criteria: Ambry Variant Classification Scheme 2023. Collection method: clinical testing. Allele origin: germline.

Labcorp Genetics (formerly Invitae), Labcorp
Classification: Uncertain significance for Hereditary diffuse gastric adenocarcinoma. Last evaluated: 2020-03-09. Review status: criteria provided, single submitter. Criteria: Invitae Variant Classification Sherloc (09022015). Collection method: clinical testing. Allele origin: germline.
Comment: This sequence change replaces isoleucine with threonine at codon 594 of the CDH1 protein (p.Ile594Thr). The isoleucine residue is moderately conserved and there is a moderate physicochemical difference between isoleucine and threonine. This variant is not present in population databases (ExAC no frequency). This variant has not been reported in the literature in individuals with CDH1-related conditions. Algorithms developed to predict the effect of missense changes on protein structure and function output the following: SIFT: "Tolerated"; PolyPhen-2: "Benign"; Align-GVGD: "Class C0". The threonine amino acid residue is found in multiple mammalian species, suggesting that this missense change does not adversely affect protein function. These predictions have not been confirmed by published functional studies and their clinical significance is uncertain. In summary, the available evidence is currently insufficient to determine the role of this variant in disease. Therefore, it has been classified as a Variant of Uncertain Significance.